The following is an entry in ClinVar:

NM_015001.3(SPEN):c.10989C>T (p.Ser3663=)

Gene: SPEN (spen family transcriptional repressor; plus strand). Cytogenetic location: 1p36.13.
Variant type: single nucleotide variant.
Coding change: c.10989C>T on transcript NM_015001.3 (MANE Select); coding-DNA position 10989, C replaced by T.
Protein change: p.Ser3663=; no amino-acid change (serine 3663 retained).
Molecular consequence: synonymous variant.
Genome position (GRCh38, 1-based): chr1:15,939,421, C>T. VCF-style: chr1-15939421-C-T. GRCh37 (hg19) VCF-style: chr1-16265916-C-T.
Identifiers: ClinVar variation 2638351 (VCV002638351.24), dbSNP rs766945368, ClinGen allele CA620876.

ClinVar aggregate classification (germline): Likely benign (1 of 4 stars; one submission).

Allele frequency attached by ClinVar (database versions not stated): ExAC 0.00001; gnomAD 0.00001; gnomAD exomes 0.00003.
gnomAD v4.1: 36 of 1,593,548 alleles (0.0023%); highest among the groups gnomAD compares: East Asian, 0.0047%; no homozygotes.

Submission:

CeGaT Center for Human Genetics Tuebingen
Classification: Likely benign. Last evaluated: 2022-12-01. Review status: criteria provided, single submitter. Criteria: CeGaT Center For Human Genetics Tuebingen Variant Classification Criteria Version 2. Collection method: clinical testing. Allele origin: germline. Affected: yes. Observed: 1 variant allele.
Comment: SPEN: BP4, BP7